The following is an entry in ClinVar:

NM_015910.7(WDPCP):c.2190+1G>A

Gene: WDPCP (WD repeat containing planar cell polarity effector; minus strand). Cytogenetic location: 2p15.
Variant type: single nucleotide variant.
Coding change: c.2190+1G>A on transcript NM_015910.7 (MANE Select); the canonical splice donor site of the intron after coding-DNA position 2190, G replaced by A.
Molecular consequence: splice donor variant.
Genome position (GRCh38, 1-based): chr2:63,152,913, C>T on the plus strand (G>A on the coding strand, the complement: WDPCP is on the minus strand). VCF-style: chr2-63152913-C-T. GRCh37 (hg19) VCF-style: chr2-63380048-C-T.
Other names: c.2118+1G>A (NM_001354044.2); c.1713+1G>A (NM_001042692.3).
Identifiers: ClinVar variation 1448082 (VCV001448082.9), dbSNP rs1671980611, ClinGen allele CA347060593.

ClinVar aggregate classification (germline): Uncertain significance. Review status: criteria provided, multiple submitters, no conflicts (2 of 4 stars). 2 submissions from 2 submitters: Uncertain significance (2). Last evaluated 2024-10-15.

Conditions:
Bardet-Biedl syndrome 15 (BBS15). Identifiers: Orphanet 110, MedGen C3150127, MONDO:0014443, OMIM 615992.
Heart defect - tongue hamartoma - polysyndactyly syndrome. Also called: Congenital heart defects, hamartomas of tongue, and polysyndactyly. Identifiers: Orphanet 1338, MedGen C1857587, MONDO:0009008, OMIM 217085.
Bardet-Biedl syndrome (BBS). Identifiers: Orphanet 110, MedGen C0752166, MONDO:0015229.

Allele frequency attached by ClinVar (database versions not stated): gnomAD 0.00001.

Submissions (2):

Labcorp Genetics (formerly Invitae), Labcorp
Classification: Uncertain significance for Bardet-Biedl syndrome. Last evaluated: 2024-10-15. Review status: criteria provided, single submitter. Criteria: Invitae Variant Classification Sherloc (09022015). Collection method: clinical testing. Allele origin: germline.
Comment: This sequence change affects a donor splice site in intron 17 of the WDPCP gene. While this variant is not anticipated to result in nonsense mediated decay, it likely alters RNA splicing and results in a disrupted protein product. This variant is not present in population databases (gnomAD no frequency). This variant has not been reported in the literature in individuals affected with WDPCP-related conditions. ClinVar contains an entry for this variant (Variation ID: 1448082). Variants that disrupt the consensus splice site are a relatively common cause of aberrant splicing (PMID: 17576681, 9536098). Algorithms developed to predict the effect of sequence changes on RNA splicing suggest that this variant may disrupt the consensus splice site. In summary, the available evidence is currently insufficient to determine the role of this variant in disease. Therefore, it has been classified as a Variant of Uncertain Significance.

Fulgent Genetics
Classification: Uncertain significance for Heart defect - tongue hamartoma - polysyndactyly syndrome; Bardet-Biedl syndrome 15. Last evaluated: 2022-05-20. Review status: criteria provided, single submitter. Criteria: ACMG Guidelines, 2015. Collection method: clinical testing. Allele origin: unknown.

Literature cited by the submitters: PubMed 17576681 (cited by Labcorp Genetics (formerly Invitae), Labcorp); PubMed 9536098 (cited by Labcorp Genetics (formerly Invitae), Labcorp).